The following is an entry in ClinVar:

ClinVar aggregate classification (germline): Pathogenic/Likely pathogenic. Review status: criteria provided, multiple submitters, no conflicts (2 of 4 stars). 2 submissions from 2 submitters: Pathogenic (1); Likely pathogenic (1). Last evaluated 2024-12-15.

Conditions:
Rhabdoid tumor predisposition syndrome 2 (RTPS2). Identifiers: Orphanet 231108, Orphanet 69077, MedGen C2750074, MONDO:0013224, OMIM 613325.

Submissions (2):

Labcorp Genetics (formerly Invitae), Labcorp
Classification: Pathogenic for Rhabdoid tumor predisposition syndrome 2. Last evaluated: 2024-12-15. Review status: criteria provided, single submitter. Criteria: Invitae Variant Classification Sherloc (09022015). Collection method: clinical testing. Allele origin: germline.
Comment: This sequence change creates a premature translational stop signal (p.Tyr795*) in the SMARCA4 gene. It is expected to result in an absent or disrupted protein product. Loss-of-function variants in SMARCA4 are known to be pathogenic (PMID: 24658001, 24658002). This variant is not present in population databases (gnomAD no frequency). This variant has not been reported in the literature in individuals affected with SMARCA4-related conditions. For these reasons, this variant has been classified as Pathogenic.

Institute for Genomic Medicine (IGM) Clinical Laboratory, Nationwide Children's Hospital
Classification: Likely pathogenic for Rhabdoid tumor predisposition syndrome 2. Last evaluated: 2024-11-26. Review status: criteria provided, single submitter. Criteria: ACMG Guidelines, 2015. Collection method: clinical testing. Allele origin: germline.
Comment: This variant is predicted to result in loss of function through nonsense-mediated decay of the encoded transcript or premature truncation of the encoded protein in a gene in which loss of function is a known mechanism of disease (ACMG/AMP: PVS1; PMIDs:33907931, 25060813, 20137775). This variant is absent from or present at an exceedingly low frequency in gnomAD, a large-scale control population database (ACMG/AMP: PM2).

Literature cited by the submitters: PubMed 24658001 (cited by Labcorp Genetics (formerly Invitae), Labcorp); PubMed 24658002 (cited by Labcorp Genetics (formerly Invitae), Labcorp); PubMed 33907931 (cited by Institute for Genomic Medicine (IGM) Clinical Laboratory, Nationwide Children's Hospital); PubMed 25060813 (cited by Institute for Genomic Medicine (IGM) Clinical Laboratory, Nationwide Children's Hospital); PubMed 20137775 (cited by Institute for Genomic Medicine (IGM) Clinical Laboratory, Nationwide Children's Hospital).

NM_003072.5(SMARCA4):c.2385C>A (p.Tyr795Ter)

Gene: SMARCA4 (SWI/SNF related BAF chromatin remodeling complex subunit ATPase 4; plus strand). Cytogenetic location: 19p13.2.
Variant type: single nucleotide variant.
Coding change: c.2385C>A on transcript NM_003072.5 (MANE Select); coding-DNA position 2385, C replaced by A.
Protein change: p.Tyr795Ter; replaces tyrosine 795 with a stop codon.
Molecular consequence: nonsense. On other transcripts: non-coding transcript variant (1).
Genome position (GRCh38, 1-based): chr19:11,013,059, C>A. VCF-style: chr19-11013059-C-A. GRCh37 (hg19) VCF-style: chr19-11123735-C-A.
Other names: c.2385C>A, p.Tyr795Ter (NM_001128844.3, NM_001128845.2, NM_001128846.2 and 6 more transcripts); short protein forms Y795*.
Identifiers: ClinVar variation 3725813 (VCV003725813.3).
Genomic context (GRCh38, chr19:11,013,059, plus strand): 5'-CATCCTGGCCGACGAGATGGGCCTGGGGAAGACCATCCAGACCATCGCGCTCATCACGTA[C>A]CTCATGGAGCACAAACGCATCAATGGGCCCTTCCTCATCATCGTGCCTCTCTCGTGAGTA-3'